The following is an entry in ClinVar:

NM_001250.6(CD40):c.*316G>C

Gene: CD40 (CD40 molecule; plus strand). Cytogenetic location: 20q13.12.
Variant type: single nucleotide variant.
Coding change: c.*316G>C on transcript NM_001250.6 (MANE Select); 316 bases downstream of the stop codon, G replaced by C.
Molecular consequence: 3 prime UTR variant. On other transcripts: non-coding transcript variant (2).
Genome position (GRCh38, 1-based): chr20:46,129,356, G>C. VCF-style: chr20-46129356-G-C. GRCh37 (hg19) VCF-style: chr20-44757995-G-C.
Other names: c.*476G>C (NM_001302753.2, NM_001362758.2, NM_152854.4); c.*316G>C (NM_001322421.2, NM_001322422.2).
Identifiers: ClinVar variation 338583 (VCV000338583.6), dbSNP rs11569344, ClinGen allele CA10649788.

ClinVar aggregate classification (germline): Benign. Review status: criteria provided, multiple submitters, no conflicts (2 of 4 stars). 2 submissions from 2 submitters: Benign (2). Last evaluated 2018-01-13.

Conditions:
Hyper-IgM syndrome type 3. Also called: Hyper-IgM Immunodeficiency Syndrome, Type 3. Identifiers: Orphanet 101090, MedGen C1720957, MONDO:0011735, OMIM 606843.

Allele frequency attached by ClinVar (database versions not stated): gnomAD exomes 0.00208; gnomAD 0.01661 and 0.01767; TOPMed 0.01925; 1000 Genomes Project 0.02077; 1000 Genomes Project 30x 0.02092.
gnomAD v4.1: 2,999 of 385,292 alleles (0.78%); highest among the groups gnomAD compares: African/African-American, 5.7%; 79 homozygotes.

Submissions (2):

Illumina Laboratory Services, Illumina
Classification: Benign for Hyper-IgM syndrome type 3. Last evaluated: 2018-01-13. Review status: criteria provided, single submitter. Criteria: ICSL Variant Classification Criteria 13 December 2019. Collection method: clinical testing. Allele origin: germline.
Comment: This variant was observed in the ICSL laboratory as part of a predisposition screen in an ostensibly healthy population. It had not been previously curated by ICSL or reported in the Human Gene Mutation Database (HGMD: prior to June 1st, 2018), and was therefore a candidate for classification through an automated scoring system. Utilizing variant allele frequency, disease prevalence and penetrance estimates, and inheritance mode, an automated score was calculated to assess if this variant is too frequent to cause the disease. Based on the score and internal cut-off values, a variant classified as benign is not then subjected to further curation. The score for this variant resulted in a classification of benign for this disease.

Breakthrough Genomics
Classification: Benign. Review status: criteria provided, single submitter. Criteria: ACMG Guidelines, 2015. Collection method: not provided. Allele origin: germline. Inheritance: Autosomal recessive inheritance. Affected: yes.